The following is an entry in ClinVar:

ClinVar aggregate classification (germline): Uncertain significance (1 of 4 stars; one submission).

Allele frequency attached by ClinVar (database versions not stated): gnomAD exomes below 0.00001.
gnomAD v4.1: 1 of 1,607,030 alleles (0.000062%); highest among the groups gnomAD compares: Non-Finnish European, 0.000085%; no homozygotes.

Submission:

Ambry Genetics
Classification: Uncertain significance. Last evaluated: 2021-10-17. Review status: criteria provided, single submitter. Criteria: Ambry Variant Classification Scheme 2023. Collection method: clinical testing. Allele origin: germline.
Comment: The p.K668E variant (also known as c.2002A>G), located in coding exon 18 of the PRKDC gene, results from an A to G substitution at nucleotide position 2002. The lysine at codon 668 is replaced by glutamic acid, an amino acid with similar properties. This amino acid position is conserved. In addition, the in silico prediction for this alteration is inconclusive. Since supporting evidence is limited at this time, the clinical significance of this alteration remains unclear.

NM_006904.7(PRKDC):c.2002A>G (p.Lys668Glu)

Gene: PRKDC (protein kinase, DNA-activated, catalytic subunit; minus strand). Cytogenetic location: 8q11.21.
Variant type: single nucleotide variant.
Coding change: c.2002A>G on transcript NM_006904.7 (MANE Select); coding-DNA position 2002, A replaced by G.
Protein change: p.Lys668Glu; replaces lysine 668 with glutamic acid.
Molecular consequence: missense variant.
Genome position (GRCh38, 1-based): chr8:47,929,903, T>C on the plus strand (A>G on the coding strand, the complement: PRKDC is on the minus strand). VCF-style: chr8-47929903-T-C. GRCh37 (hg19) VCF-style: chr8-48842463-T-C.
Other names: c.2002A>G, p.Lys668Glu (NM_001081640.2); short protein forms K668E.
Identifiers: ClinVar variation 1784264 (VCV001784264.2), dbSNP rs750645547, ClinGen allele CA371164179.